The following is an entry in ClinVar:

ClinVar aggregate classification (germline): Uncertain significance (1 of 4 stars; one submission).

Submission:

GeneDx
Classification: Uncertain significance. Last evaluated: 2025-07-03. Review status: criteria provided, single submitter. Criteria: GeneDx Variant Classification Process June 2021. Collection method: clinical testing. Allele origin: germline. Affected: yes.
Comment: Not observed at significant frequency in large population cohorts (gnomAD); In silico analysis suggests that this missense variant does not alter protein structure/function; Has not been previously published as pathogenic or benign to our knowledge; Reported using the transcript encoding the epithelial isoform of the gene

NM_001723.7(DST):c.5612G>A (p.Ser1871Asn)

Gene: DST (dystonin; minus strand). Cytogenetic location: 6p12.1.
Variant type: single nucleotide variant.
Coding change: c.5612G>A on transcript NM_001723.7 (MANE Plus Clinical); coding-DNA position 5612, G replaced by A.
Protein change: p.Ser1871Asn; replaces serine 1871 with asparagine.
Molecular consequence: missense variant. On other transcripts: intron variant (10).
Genome position (GRCh38, 1-based): chr6:56,618,422, C>T on the plus strand (G>A on the coding strand, the complement: DST is on the minus strand). VCF-style: chr6-56618422-C-T. GRCh37 (hg19) VCF-style: chr6-56483220-C-T.
Other names: c.4297-3938G>A (NM_001374730.1, NM_001386100.1, NM_183380.4 and 1 more transcripts); c.3319-3938G>A (NM_015548.5); c.4831-3938G>A (NM_001144769.5); c.4930-3938G>A (NM_001374722.1, NM_001374736.1); c.4957-3938G>A (NM_001374734.1); c.4417-3938G>A (NM_001144770.2); short protein forms S1871N.
Identifiers: ClinVar variation 4681145 (VCV004681145.1).